The following is an entry in ClinVar:

ClinVar aggregate classification (germline): Likely benign. Review status: criteria provided, single submitter (1 of 4 stars). 2 submissions from 2 submitters: Likely benign (1). 1 of the submissions does not count toward it. Last evaluated 2026-01-24.

Conditions:
UCP3-related disorder. Also called: UCP3-related condition.

gnomAD v4.1: 284 of 1,614,026 alleles (0.018%); highest among the groups gnomAD compares: East Asian, 0.016%; 1 homozygote.

Submissions (2):

Labcorp Genetics (formerly Invitae), Labcorp
Classification: Likely benign. Last evaluated: 2026-01-24. Review status: criteria provided, single submitter. Criteria: Invitae Variant Classification Sherloc (09022015). Collection method: clinical testing. Allele origin: germline.

PreventionGenetics, part of Exact Sciences
Classification: Likely benign for UCP3-related condition. Last evaluated: 2022-06-17. Review status: no assertion criteria provided. Collection method: clinical testing. Allele origin: germline. Not counted in ClinVar's aggregate classification.
Comment: This variant is classified as likely benign based on ACMG/AMP sequence variant interpretation guidelines (Richards et al. 2015 PMID: 25741868, with internal and published modifications).

NM_003356.4(UCP3):c.862G>A (p.Val288Met)

Gene: UCP3 (uncoupling protein 3; minus strand). Cytogenetic location: 11q13.4.
Variant type: single nucleotide variant.
Coding change: c.862G>A on transcript NM_003356.4 (MANE Select); coding-DNA position 862, G replaced by A.
Protein change: p.Val288Met; replaces valine 288 with methionine.
Molecular consequence: missense variant.
Genome position (GRCh38, 1-based): chr11:74,001,489, C>T on the plus strand (G>A on the coding strand, the complement: UCP3 is on the minus strand). VCF-style: chr11-74001489-C-T. GRCh37 (hg19) VCF-style: chr11-73712534-C-T.
Other names: short protein forms V288M.
Identifiers: ClinVar variation 3350962 (VCV003350962.2).